The following is an entry in ClinVar:

NM_015450.3(POT1):c.1610C>T (p.Pro537Leu)

Gene: POT1 (protection of telomeres 1; minus strand). Cytogenetic location: 7q31.33.
Variant type: single nucleotide variant.
Coding change: c.1610C>T on transcript NM_015450.3 (MANE Select); coding-DNA position 1610, C replaced by T.
Protein change: p.Pro537Leu; replaces proline 537 with leucine.
Molecular consequence: missense variant. On other transcripts: non-coding transcript variant (3).
Genome position (GRCh38, 1-based): chr7:124,827,290, G>A on the plus strand (C>T on the coding strand, the complement: POT1 is on the minus strand). VCF-style: chr7-124827290-G-A. GRCh37 (hg19) VCF-style: chr7-124467344-G-A.
Other names: c.1217C>T, p.Pro406Leu (NM_001042594.2); short protein forms P537L, P406L.
Identifiers: ClinVar variation 971456 (VCV000971456.10), dbSNP rs774324805, ClinGen allele CA4465031.

ClinVar aggregate classification (germline): Uncertain significance (1 of 4 stars; one submission).

Conditions:
Tumor predisposition syndrome 3 (TPDS3). Also called: Melanoma, cutaneous malignant, susceptibility to, 10; Glioma susceptibility 9; LONG TELOMERE SYNDROME, POT1-RELATED; POT1 Tumor Predisposition. Identifiers: Orphanet 618, MedGen C4014476, MONDO:0014368, OMIM 615848.

Allele frequency attached by ClinVar (database versions not stated): gnomAD exomes below 0.00001; ExAC 0.00001.
gnomAD v4.1: 4 of 1,583,970 alleles (0.00025%); highest among the groups gnomAD compares: African/African-American, 0.0013%; no homozygotes.

Submission:

Labcorp Genetics (formerly Invitae), Labcorp
Classification: Uncertain significance for Tumor predisposition syndrome 3. Last evaluated: 2024-09-23. Review status: criteria provided, single submitter. Criteria: Invitae Variant Classification Sherloc (09022015). Collection method: clinical testing. Allele origin: germline.
Comment: This sequence change replaces proline, which is neutral and non-polar, with leucine, which is neutral and non-polar, at codon 537 of the POT1 protein (p.Pro537Leu). This variant is present in population databases (rs774324805, gnomAD 0.0009%). This variant has not been reported in the literature in individuals affected with POT1-related conditions. ClinVar contains an entry for this variant (Variation ID: 971456). Invitae Evidence Modeling of protein sequence and biophysical properties (such as structural, functional, and spatial information, amino acid conservation, physicochemical variation, residue mobility, and thermodynamic stability) indicates that this missense variant is not expected to disrupt POT1 protein function with a negative predictive value of 80%. In summary, the available evidence is currently insufficient to determine the role of this variant in disease. Therefore, it has been classified as a Variant of Uncertain Significance.